The following is an entry in ClinVar:

ClinVar aggregate classification (germline): Uncertain significance (1 of 4 stars; one submission).

gnomAD v4.1: 12 of 1,614,052 alleles (0.00074%); highest among the groups gnomAD compares: Non-Finnish European, 0.00076%; no homozygotes.

Submission:

Labcorp Genetics (formerly Invitae), Labcorp
Classification: Uncertain significance. Last evaluated: 2026-01-12. Review status: criteria provided, single submitter. Criteria: Invitae Variant Classification Sherloc (09022015). Collection method: clinical testing. Allele origin: germline.
Comment: This sequence change replaces glutamic acid, which is acidic and polar, with lysine, which is basic and polar, at codon 889 of the DUOX2 protein (p.Glu889Lys). This variant is present in population databases (no rsID available, gnomAD 0.0009%). This variant has not been reported in the literature in individuals affected with DUOX2-related conditions. ClinVar contains an entry for this variant (Variation ID: 3665670). Invitae Evidence Modeling of protein sequence and biophysical properties (such as structural, functional, and spatial information, amino acid conservation, physicochemical variation, residue mobility, and thermodynamic stability) indicates that this missense variant is expected to disrupt DUOX2 protein function with a positive predictive value of 80%. In summary, the available evidence is currently insufficient to determine the role of this variant in disease. Therefore, it has been classified as a Variant of Uncertain Significance.

NM_001363711.2(DUOX2):c.2665G>A (p.Glu889Lys)

Gene: DUOX2 (dual oxidase 2; minus strand). Cytogenetic location: 15q21.1.
Variant type: single nucleotide variant.
Coding change: c.2665G>A on transcript NM_001363711.2 (MANE Select); coding-DNA position 2665, G replaced by A.
Protein change: p.Glu889Lys; replaces glutamic acid 889 with lysine.
Molecular consequence: missense variant.
Genome position (GRCh38, 1-based): chr15:45,101,979, C>T on the plus strand (G>A on the coding strand, the complement: DUOX2 is on the minus strand). VCF-style: chr15-45101979-C-T. GRCh37 (hg19) VCF-style: chr15-45394177-C-T.
Other names: c.2665G>A, p.Glu889Lys (NM_014080.5); short protein forms E889K.
Identifiers: ClinVar variation 3665670 (VCV003665670.2).